The following is an entry in ClinVar:

ClinVar aggregate classification (germline): Pathogenic (1 of 4 stars; one submission).

Conditions:
Hereditary breast ovarian cancer syndrome. Also called: Hereditary breast and ovarian cancer; Hereditary breast and ovarian cancer syndrome (HBOC); Breast and ovarian cancer; Hereditary breast and ovarian cancer syndrome; Hereditary breast and/or ovarian cancer syndrome; BRCA1- and BRCA2-Associated Hereditary Breast and Ovarian Cancer. Identifiers: Orphanet 145, MedGen C0677776, MeSH D061325, MONDO:0003582. Disease mechanism: loss of function.

Submission:

Labcorp Genetics (formerly Invitae), Labcorp
Classification: Pathogenic for Hereditary breast ovarian cancer syndrome. Last evaluated: 2025-04-18. Review status: criteria provided, single submitter. Criteria: Invitae Variant Classification Sherloc (09022015). Collection method: clinical testing. Allele origin: germline.
Comment: This sequence change creates a premature translational stop signal (p.Thr1346Asnfs*6) in the BRCA2 gene. It is expected to result in an absent or disrupted protein product. Loss-of-function variants in BRCA2 are known to be pathogenic (PMID: 20104584). This variant is not present in population databases (gnomAD no frequency). This variant has not been reported in the literature in individuals affected with BRCA2-related conditions. ClinVar contains an entry for this variant (Variation ID: 1454719). For these reasons, this variant has been classified as Pathogenic.

Literature cited by the submitters: PubMed 20104584.

NM_000059.4(BRCA2):c.4036dup (p.Thr1346fs)

Gene: BRCA2 (BRCA2 DNA repair associated; plus strand). Cytogenetic location: 13q13.1.
Variant type: Duplication.
Coding change: c.4036dup on transcript NM_000059.4 (MANE Select); coding-DNA position 4036, one base duplicated (A; older notation c.4036dupA).
Protein change: p.Thr1346fs; shifts the reading frame from threonine 1346.
Molecular consequence: frameshift variant.
Genome position (GRCh38, 1-based): chr13:32,338,391, A duplicated. VCF-style (leftmost placement, unchanged base first): chr13-32338390-T-TA. GRCh37 (hg19) VCF-style: chr13-32912527-T-TA.
Other names: short protein forms T1346fs.
Identifiers: ClinVar variation 1454719 (VCV001454719.6), dbSNP rs2137502311, ClinGen allele CA2573149362.